The following is an entry in ClinVar:

NM_032634.4(PIGO):c.599A>G (p.Asn200Ser)

Gene: PIGO (phosphatidylinositol glycan anchor biosynthesis class O; minus strand). Cytogenetic location: 9p13.3.
Variant type: single nucleotide variant.
Coding change: c.599A>G on transcript NM_032634.4 (MANE Select); coding-DNA position 599, A replaced by G.
Protein change: p.Asn200Ser; replaces asparagine 200 with serine.
Molecular consequence: missense variant.
Genome position (GRCh38, 1-based): chr9:35,094,272, T>C on the plus strand (A>G on the coding strand, the complement: PIGO is on the minus strand). VCF-style: chr9-35094272-T-C. GRCh37 (hg19) VCF-style: chr9-35094269-T-C.
Other names: c.599A>G, p.Asn200Ser (NM_001201484.2, NM_152850.4); short protein forms N200S.
Identifiers: ClinVar variation 856356 (VCV000856356.6), dbSNP rs755621448, ClinGen allele CA5040894.

ClinVar aggregate classification (germline): Uncertain significance. Review status: criteria provided, multiple submitters, no conflicts (2 of 4 stars). 2 submissions from 2 submitters: Uncertain significance (2). Last evaluated 2023-12-28.

Conditions:
Hyperphosphatasia with impaired intellectual development syndrome 2. Also called: Hyperphosphatasia with intellectual disability syndrome 2; GLYCOSYLPHOSPHATIDYLINOSITOL BIOSYNTHESIS DEFECT 6. Identifiers: Orphanet 247262, MedGen C3553637, MONDO:0013882, OMIM 614749.

Allele frequency attached by ClinVar (database versions not stated): TOPMed below 0.00001; gnomAD 0.00002; gnomAD exomes 0.00003 and 0.00002; ExAC 0.00004.
gnomAD v4.1: 26 of 1,607,768 alleles (0.0016%); highest among the groups gnomAD compares: Admixed American, 0.0052%; no homozygotes.

Submissions (2):

GeneDx
Classification: Uncertain significance. Last evaluated: 2023-12-28. Review status: criteria provided, single submitter. Criteria: GeneDx Variant Classification Process June 2021. Collection method: clinical testing. Allele origin: germline. Affected: yes.
Comment: Not observed at significant frequency in large population cohorts (gnomAD); In silico analysis supports that this missense variant has a deleterious effect on protein structure/function; Has not been previously published as pathogenic or benign to our knowledge

Labcorp Genetics (formerly Invitae), Labcorp
Classification: Uncertain significance for Hyperphosphatasia with impaired intellectual development syndrome 2. Last evaluated: 2023-09-19. Review status: criteria provided, single submitter. Criteria: Invitae Variant Classification Sherloc (09022015). Collection method: clinical testing. Allele origin: germline.
Comment: In summary, the available evidence is currently insufficient to determine the role of this variant in disease. Therefore, it has been classified as a Variant of Uncertain Significance. Advanced modeling of protein sequence and biophysical properties (such as structural, functional, and spatial information, amino acid conservation, physicochemical variation, residue mobility, and thermodynamic stability) performed at Invitae indicates that this missense variant is expected to disrupt PIGO protein function. ClinVar contains an entry for this variant (Variation ID: 856356). This variant has not been reported in the literature in individuals affected with PIGO-related conditions. This variant is present in population databases (rs755621448, gnomAD 0.006%). This sequence change replaces asparagine, which is neutral and polar, with serine, which is neutral and polar, at codon 200 of the PIGO protein (p.Asn200Ser).